The following is an entry in ClinVar:

NM_005816.5(CD96):c.181G>A (p.Val61Ile)

Gene: CD96 (CD96 molecule; plus strand). Cytogenetic location: 3q13.13.
Variant type: single nucleotide variant.
Coding change: c.181G>A on transcript NM_005816.5 (MANE Select); coding-DNA position 181, G replaced by A.
Protein change: p.Val61Ile; replaces valine 61 with isoleucine.
Molecular consequence: missense variant. On other transcripts: non-coding transcript variant (1).
Genome position (GRCh38, 1-based): chr3:111,545,165, G>A. VCF-style: chr3-111545165-G-A. GRCh37 (hg19) VCF-style: chr3-111264012-G-A.
Other names: c.181G>A, p.Val61Ile (NM_001318889.2, NM_198196.3); short protein forms V61I.
Identifiers: ClinVar variation 1524983 (VCV001524983.9), dbSNP rs150450686, ClinGen allele CA2534116.

ClinVar aggregate classification (germline): Uncertain significance. Review status: criteria provided, multiple submitters, no conflicts (2 of 4 stars). 2 submissions from 2 submitters: Uncertain significance (2). Last evaluated 2025-11-18.

Allele frequency attached by ClinVar (database versions not stated): ESP Exome Variant Server 0.00031; gnomAD exomes 0.00045 and 0.00076; 1000 Genomes Project 0.00060; 1000 Genomes Project 30x 0.00062; gnomAD 0.00063 and 0.00065; ExAC 0.00069; TOPMed 0.00072.
gnomAD v4.1: 796 of 1,614,122 alleles (0.049%); highest among the groups gnomAD compares: Middle Eastern, 0.66%; 1 homozygote.

Submissions (2):

Labcorp Genetics (formerly Invitae), Labcorp
Classification: Uncertain significance. Last evaluated: 2025-11-18. Review status: criteria provided, single submitter. Criteria: Invitae Variant Classification Sherloc (09022015). Collection method: clinical testing. Allele origin: germline.
Comment: This sequence change replaces valine, which is neutral and non-polar, with isoleucine, which is neutral and non-polar, at codon 61 of the CD96 protein (p.Val61Ile). This variant is present in population databases (rs150450686, gnomAD 0.2%), and has an allele count higher than expected for a pathogenic variant. This variant has not been reported in the literature in individuals affected with CD96-related conditions. ClinVar contains an entry for this variant (Variation ID: 1524983). Invitae Evidence Modeling of protein sequence and biophysical properties (such as structural, functional, and spatial information, amino acid conservation, physicochemical variation, residue mobility, and thermodynamic stability) indicates that this missense variant is not expected to disrupt CD96 protein function with a negative predictive value of 80%. In summary, the available evidence is currently insufficient to determine the role of this variant in disease. Therefore, it has been classified as a Variant of Uncertain Significance.

Breakthrough Genomics
Classification: Uncertain significance. Review status: criteria provided, single submitter. Criteria: ACMG Guidelines, 2015. Collection method: not provided. Allele origin: germline. Inheritance: Autosomal dominant inheritance. Affected: yes.